The following is an entry in ClinVar:

NM_000081.4(LYST):c.5393A>G (p.Tyr1798Cys)

Gene: LYST (lysosomal trafficking regulator; minus strand). Cytogenetic location: 1q42.3.
Variant type: single nucleotide variant.
Coding change: c.5393A>G on transcript NM_000081.4 (MANE Select); coding-DNA position 5393, A replaced by G.
Protein change: p.Tyr1798Cys; replaces tyrosine 1798 with cysteine.
Molecular consequence: missense variant.
Genome position (GRCh38, 1-based): chr1:235,777,130, T>C on the plus strand (A>G on the coding strand, the complement: LYST is on the minus strand). VCF-style: chr1-235777130-T-C. GRCh37 (hg19) VCF-style: chr1-235940430-T-C.
Other names: c.5393A>G, p.Tyr1798Cys (NM_001301365.1); short protein forms Y1798C.
Identifiers: ClinVar variation 3366065 (VCV003366065.1).
Genomic context (GRCh38, chr1:235,777,130, plus strand): 5'-AAGAGAAAAACAAATATGCCAGTTCCACCAATTTCGTGCAGAATGCCTTGAATAGTTTTA[T>C]ATTCAGTAGGTTGGAGATTCTTTAGATGATGAGGTTCTAATAAGATGCTCTGAACTTCTT-3'
Protein context (NP_000072.2, residues 1788-1808): HHLKNLQPTE[Tyr1798Cys]KTIQGILHEI

ClinVar aggregate classification (germline): Uncertain significance (1 of 4 stars; one submission).

gnomAD v4.1: 4 of 1,613,124 alleles (0.00025%); highest among the groups gnomAD compares: South Asian, 0.0022%; no homozygotes.

Submission:

GeneDx
Classification: Uncertain significance. Last evaluated: 2023-10-19. Review status: criteria provided, single submitter. Criteria: GeneDx Variant Classification Process June 2021. Collection method: clinical testing. Allele origin: germline. Affected: yes.
Comment: Not observed at significant frequency in large population cohorts (gnomAD); In silico analysis supports that this missense variant does not alter protein structure/function; Has not been previously published as pathogenic or benign to our knowledge